The following is an entry in ClinVar:

NM_001365951.3(KIF1B):c.3591_3593del (p.Tyr1197_Gln1198delinsTer)

Gene: KIF1B (kinesin family member 1B; plus strand). Cytogenetic location: 1p36.22.
Variant type: Deletion.
Coding change: c.3591_3593del on transcript NM_001365951.3 (MANE Select); coding-DNA positions 3591 to 3593, 3 bases deleted (TCA; older notation c.3591_3593delTCA).
Protein change: p.Tyr1197_Gln1198delinsTer.
Molecular consequence: nonsense.
Genome position (GRCh38, 1-based): chr1:10,342,127-10,342,129, TCA deleted; deleting any 3 consecutive bases within chr1:10,342,126-10,342,129 gives the same sequence; the c. name uses the placement nearest the transcript's 3' end. VCF-style (leftmost placement, unchanged base first): chr1-10342125-TATC-T. GRCh37 (hg19) VCF-style: chr1-10402183-TATC-T.
Other names: c.3591_3593del, p.Tyr1197_Gln1198delinsTer (NM_001365952.1); c.3453_3455del, p.Tyr1151_Gln1152delinsTer (NM_015074.3); c.3453_3455delTCA (NM_015074.3).
Identifiers: ClinVar variation 1731576 (VCV001731576.2), dbSNP rs2521752487, ClinGen allele CA2580060451.

ClinVar aggregate classification (germline): Uncertain significance (1 of 4 stars; one submission).

Submission:

Ambry Genetics
Classification: Uncertain significance. Last evaluated: 2021-07-01. Review status: criteria provided, single submitter. Criteria: Ambry Variant Classification Scheme 2023. Collection method: clinical testing. Allele origin: germline.
Comment: The c.3453_3455delTCA variant (also known as p.Y1151*) is located in coding exon 30 of the KIF1B gene. This variant results from an in-frame TCA deletion at nucleotide positions 3453 to 3455 and results in an immediate stop codon. This alteration is expected to result in premature protein truncation or nonsense-mediated mRNA decay. However, the gene-disease association for KIF1B is limited. Since supporting evidence is limited at this time, the clinical significance of this alteration remains unclear.